The following is an entry in ClinVar:

NM_032564.5(DGAT2):c.652C>T (p.Arg218Trp)

Gene: DGAT2 (diacylglycerol O-acyltransferase 2; plus strand). Cytogenetic location: 11q13.5.
Variant type: single nucleotide variant.
Coding change: c.652C>T on transcript NM_032564.5 (MANE Select); coding-DNA position 652, C replaced by T.
Protein change: p.Arg218Trp; replaces arginine 218 with tryptophan.
Molecular consequence: missense variant.
Genome position (GRCh38, 1-based): chr11:75,797,175, C>T. VCF-style: chr11-75797175-C-T. GRCh37 (hg19) VCF-style: chr11-75508220-C-T.
Other names: p.Arg218Trp; c.523C>T, p.Arg175Trp (NM_001253891.2); short protein forms R175W, R218W.
Identifiers: ClinVar variation 3380036 (VCV003380036.1).

ClinVar aggregate classification (germline): Uncertain significance (1 of 4 stars; one submission).

Submission:

Mayo Clinic Laboratories, Mayo Clinic
Classification: Uncertain significance. Last evaluated: 2024-03-18. Review status: criteria provided, single submitter. Criteria: ACMG Guidelines, 2015. Collection method: clinical testing. Allele origin: germline. Observed: 1 variant allele.
Comment: BS2